The following is an entry in ClinVar:

ClinVar aggregate classification (germline): Uncertain significance (1 of 4 stars; one submission).

Conditions:
Cranioectodermal dysplasia 2 (CED2). Identifiers: Orphanet 1515, MedGen C3150874, MONDO:0013323, OMIM 613610.
Short-rib thoracic dysplasia 7 with or without polydactyly (SRTD7). Also called: Short rib polydactyly syndrome 5; SHORT-RIB THORACIC DYSPLASIA 7 WITH POLYDACTYLY. Identifiers: Orphanet 498497, Orphanet 93271, MedGen C3279792, MONDO:0013569, OMIM 614091.

Allele frequency attached by ClinVar (database versions not stated): gnomAD 0.00001; ExAC 0.00002; gnomAD exomes 0.00003.
gnomAD v4.1: 48 of 1,613,886 alleles (0.003%); highest among the groups gnomAD compares: Non-Finnish European, 0.0041%; no homozygotes.

Submission:

Labcorp Genetics (formerly Invitae), Labcorp
Classification: Uncertain significance for Cranioectodermal dysplasia 2; Short-rib thoracic dysplasia 7 with or without polydactyly. Last evaluated: 2022-07-17. Review status: criteria provided, single submitter. Criteria: Invitae Variant Classification Sherloc (09022015). Collection method: clinical testing. Allele origin: germline.
Comment: In summary, the available evidence is currently insufficient to determine the role of this variant in disease. Therefore, it has been classified as a Variant of Uncertain Significance. This sequence change replaces serine, which is neutral and polar, with arginine, which is basic and polar, at codon 797 of the WDR35 protein (p.Ser797Arg). This variant is present in population databases (rs780968520, gnomAD 0.002%). This variant has not been reported in the literature in individuals affected with WDR35-related conditions. Algorithms developed to predict the effect of missense changes on protein structure and function (SIFT, PolyPhen-2, Align-GVGD) all suggest that this variant is likely to be tolerated.

NM_020779.4(WDR35):c.2358T>A (p.Ser786Arg)

Gene: WDR35 (WD repeat domain 35; minus strand). Cytogenetic location: 2p24.1.
Variant type: single nucleotide variant.
Coding change: c.2358T>A on transcript NM_020779.4 (MANE Select); coding-DNA position 2358, T replaced by A.
Protein change: p.Ser786Arg; replaces serine 786 with arginine.
Molecular consequence: missense variant.
Genome position (GRCh38, 1-based): chr2:19,936,275, A>T on the plus strand (T>A on the coding strand, the complement: WDR35 is on the minus strand). VCF-style: chr2-19936275-A-T. GRCh37 (hg19) VCF-style: chr2-20136036-A-T.
Other names: c.2391T>A, p.Ser797Arg (NM_001006657.2); short protein forms S786R, S797R.
Identifiers: ClinVar variation 1897880 (VCV001897880.5), dbSNP rs780968520, ClinGen allele CA1542972.